The following is an entry in ClinVar:

NM_001458.5(FLNC):c.1141C>G (p.Arg381Gly)

Gene: FLNC (filamin C; plus strand). Cytogenetic location: 7q32.1.
Variant type: single nucleotide variant.
Coding change: c.1141C>G on transcript NM_001458.5 (MANE Select); coding-DNA position 1141, C replaced by G.
Protein change: p.Arg381Gly; replaces arginine 381 with glycine.
Molecular consequence: missense variant.
Genome position (GRCh38, 1-based): chr7:128,838,360, C>G. VCF-style: chr7-128838360-C-G. GRCh37 (hg19) VCF-style: chr7-128478414-C-G.
Other names: c.1141C>G, p.Arg381Gly (NM_001127487.2); short protein forms R381G.
Identifiers: ClinVar variation 1503205 (VCV001503205.6), dbSNP rs770692923, ClinGen allele CA369223787.
Genomic context (GRCh38, chr7:128,838,360, plus strand): 5'-CGCAGTCCCTTTGAGGTGAACGTGGGCATGGCCCTGGGAGATGCCAACAAGGTGTCAGCC[C>G]GTGGCCCTGGCCTGGAACCTGTGGGCAATGTGGCCAACAAACCCACCTACTTTGACATCT-3'
Protein context (NP_001449.3, residues 371-391): ALGDANKVSA[Arg381Gly]GPGLEPVGNV

ClinVar aggregate classification (germline): Uncertain significance (1 of 4 stars; one submission).

Conditions:
Hypertrophic cardiomyopathy 26. Also called: Cardiomyopathy, familial hypertrophic, 26. Identifiers: Orphanet 75249, MedGen C4310749, MONDO:0014883, OMIM 617047.
Myofibrillar myopathy 5. Also called: Filaminopathy (type); FILAMINOPATHY, AUTOSOMAL DOMINANT. Identifiers: Orphanet 171445, MedGen C1836050, MONDO:0012289, OMIM 609524.
Distal myopathy with posterior leg and anterior hand involvement. Also called: WILLIAMS DISTAL MYOPATHY. Identifiers: Orphanet 63273, MedGen C3279722, MONDO:0013550, OMIM 614065.

gnomAD v4.1: 1 of 1,614,096 alleles (0.000062%); no homozygotes.

Submission:

Labcorp Genetics (formerly Invitae), Labcorp
Classification: Uncertain significance for Distal myopathy with posterior leg and anterior hand involvement; Myofibrillar myopathy 5; Hypertrophic cardiomyopathy 26. Last evaluated: 2021-10-25. Review status: criteria provided, single submitter. Criteria: Invitae Variant Classification Sherloc (09022015). Collection method: clinical testing. Allele origin: germline.
Comment: Algorithms developed to predict the effect of missense changes on protein structure and function are either unavailable or do not agree on the potential impact of this missense change (SIFT: "Tolerated"; PolyPhen-2: "Possibly Damaging"; Align-GVGD: "Class C0"). In summary, the available evidence is currently insufficient to determine the role of this variant in disease. Therefore, it has been classified as a Variant of Uncertain Significance. This variant has not been reported in the literature in individuals affected with FLNC-related conditions. This sequence change replaces arginine with glycine at codon 381 of the FLNC protein (p.Arg381Gly). The arginine residue is moderately conserved and there is a moderate physicochemical difference between arginine and glycine. This variant is not present in population databases (ExAC no frequency).